The following is an entry in ClinVar:

NM_004098.4(EMX2):c.22C>A (p.Arg8Ser)

Genes: EMX2 (empty spiracles homeobox 2; plus strand), EMX2OS (EMX2 opposite strand/antisense RNA; minus strand). Cytogenetic location: 10q26.11.
Variant type: single nucleotide variant.
Coding change: c.22C>A on transcript NM_004098.4 (MANE Select); coding-DNA position 22, C replaced by A.
Protein change: p.Arg8Ser; replaces arginine 8 with serine.
Molecular consequence: missense variant.
Genome position (GRCh38, 1-based): chr10:117,543,289, C>A. VCF-style: chr10-117543289-C-A. GRCh37 (hg19) VCF-style: chr10-119302800-C-A.
Other names: c.22C>A, p.Arg8Ser (NM_001165924.2); short protein forms R8S.
Identifiers: ClinVar variation 3896710 (VCV003896710.1).

ClinVar aggregate classification (germline): Uncertain significance (1 of 4 stars; one submission).

Conditions:
Congenital hypogonadotropic hypogonadism. Identifiers: Orphanet 174590, MedGen C3899503, MONDO:0015770.

Submission:

Reproductive Endocrine Unit, Massachusetts General Hospital
Classification: Uncertain significance for Congenital hypogonadotropic hypogonadism. Last evaluated: 2025-05-01. Review status: criteria provided, single submitter. Criteria: ACMG Guidelines, 2015. Collection method: research. Allele origin: unknown. Affected: yes.
Comment: Arg8Ser meets the PM2 and PP3 ACMG criteria. In summary, the Arg8Ser is classified as uncertain significance based upon the information we were able to obtain